The following is an entry in ClinVar:

NM_007059.4(KPTN):c.26C>T (p.Ala9Val)

Gene: KPTN (kaptin, actin binding protein; minus strand). Cytogenetic location: 19q13.32.
Variant type: single nucleotide variant.
Coding change: c.26C>T on transcript NM_007059.4 (MANE Select); coding-DNA position 26, C replaced by T.
Protein change: p.Ala9Val; replaces alanine 9 with valine.
Molecular consequence: missense variant. On other transcripts: non-coding transcript variant (1).
Genome position (GRCh38, 1-based): chr19:47,484,135, G>A on the plus strand (C>T on the coding strand, the complement: KPTN is on the minus strand). VCF-style: chr19-47484135-G-A. GRCh37 (hg19) VCF-style: chr19-47987392-G-A.
Other names: c.26C>T, p.Ala9Val (NM_001291296.2); short protein forms A9V.
Identifiers: ClinVar variation 4755901 (VCV004755901.1).

ClinVar aggregate classification (germline): Uncertain significance (1 of 4 stars; one submission).

gnomAD v4.1: 69 of 1,598,756 alleles (0.0043%); highest among the groups gnomAD compares: South Asian, 0.073%; 1 homozygote.

Submission:

GeneDx
Classification: Uncertain significance. Last evaluated: 2025-08-04. Review status: criteria provided, single submitter. Criteria: GeneDx Variant Classification Process June 2021. Collection method: clinical testing. Allele origin: germline. Affected: yes.
Comment: In silico analysis suggests that this missense variant does not alter protein structure/function; Has not been previously published as pathogenic or benign to our knowledge